The following is an entry in ClinVar:

ClinVar aggregate classification (germline): Uncertain significance. Review status: criteria provided, multiple submitters, no conflicts (2 of 4 stars). 2 submissions from 2 submitters: Uncertain significance (2). Last evaluated 2023-02-16.

Conditions:
Pancreatic adenocarcinoma. Identifiers: MedGen C0281361, MONDO:0006047, HP:0006725.

Allele frequency attached by ClinVar (database versions not stated): gnomAD exomes 0.00002 and 0.00006; gnomAD 0.00004; ExAC 0.00007; ESP Exome Variant Server 0.00015.
gnomAD v4.1: 39 of 1,613,550 alleles (0.0024%); highest among the groups gnomAD compares: Middle Eastern, 0.033%; no homozygotes.

Submissions (2):

Ambry Genetics
Classification: Uncertain significance. Last evaluated: 2023-02-16. Review status: criteria provided, single submitter. Criteria: Ambry Variant Classification Scheme 2023. Collection method: clinical testing. Allele origin: germline.
Comment: The p.R1056Q variant (also known as c.3167G>A), located in coding exon 17 of the PALLD gene, results from a G to A substitution at nucleotide position 3167. The arginine at codon 1056 is replaced by glutamine, an amino acid with highly similar properties. This amino acid position is conserved. In addition, this alteration is predicted to be deleterious by in silico analysis. Since supporting evidence is limited at this time, the clinical significance of this alteration remains unclear.

Labcorp Genetics (formerly Invitae), Labcorp
Classification: Uncertain significance for Pancreatic adenocarcinoma. Last evaluated: 2022-06-13. Review status: criteria provided, single submitter. Criteria: Invitae Variant Classification Sherloc (09022015). Collection method: clinical testing. Allele origin: germline.
Comment: In summary, the available evidence is currently insufficient to determine the role of this variant in disease. Therefore, it has been classified as a Variant of Uncertain Significance. Algorithms developed to predict the effect of missense changes on protein structure and function (SIFT, PolyPhen-2, Align-GVGD) all suggest that this variant is likely to be disruptive. ClinVar contains an entry for this variant (Variation ID: 238608). This variant has not been reported in the literature in individuals affected with PALLD-related conditions. This variant is present in population databases (rs376394488, gnomAD 0.03%), and has an allele count higher than expected for a pathogenic variant. This sequence change replaces arginine, which is basic and polar, with glutamine, which is neutral and polar, at codon 569 of the PALLD protein (p.Arg569Gln).

NM_001166108.2(PALLD):c.3218G>A (p.Arg1073Gln)

Genes: CBR4 (carbonyl reductase 4; minus strand), PALLD (palladin, cytoskeletal associated protein; plus strand). Cytogenetic location: 4q32.3.
Variant type: single nucleotide variant.
Coding change: c.3218G>A on transcript NM_001166108.2 (MANE Select); coding-DNA position 3218, G replaced by A.
Protein change: p.Arg1073Gln; replaces arginine 1073 with glutamine.
Molecular consequence: missense variant.
Genome position (GRCh38, 1-based): chr4:168,924,414, G>A. VCF-style: chr4-168924414-G-A. GRCh37 (hg19) VCF-style: chr4-169845565-G-A.
Other names: c.2021G>A, p.Arg674Gln (NM_001166109.2); c.1706G>A, p.Arg569Gln (NM_001166110.2); c.1046G>A, p.Arg349Gln (NM_001367567.1, NM_001367569.1); c.1097G>A, p.Arg366Gln (NM_001367568.1, NM_001367570.1); c.3167G>A, p.Arg1056Gln (NM_016081.4); c.3167G>A (NM_016081.3); short protein forms R1056Q, R569Q, R674Q, R349Q, R1073Q, R366Q.
Identifiers: ClinVar variation 238608 (VCV000238608.12), dbSNP rs376394488, ClinGen allele CA3136059.